The following is an entry in ClinVar:

ClinVar aggregate classification (germline): Likely benign (0 of 4 stars; one submission).

Conditions:
BCL11A-related disorder. Also called: BCL11A-related condition.

gnomAD v4.1: 40 of 1,612,842 alleles (0.0025%); highest among the groups gnomAD compares: Non-Finnish European, 0.0034%; no homozygotes.

Submission:

PreventionGenetics, part of Exact Sciences
Classification: Likely benign for BCL11A-related condition. Last evaluated: 2020-04-07. Review status: no assertion criteria provided. Collection method: clinical testing. Allele origin: germline.
Comment: This variant is classified as likely benign based on ACMG/AMP sequence variant interpretation guidelines (Richards et al. 2015 PMID: 25741868, with internal and published modifications).

NM_022893.4(BCL11A):c.1962C>T (p.Asn654=)

Gene: BCL11A (BCL11 transcription factor A; minus strand). Cytogenetic location: 2p16.1.
Variant type: single nucleotide variant.
Coding change: c.1962C>T on transcript NM_022893.4 (MANE Select); coding-DNA position 1962, C replaced by T.
Protein change: p.Asn654=; no amino-acid change (asparagine 654 retained).
Molecular consequence: synonymous variant. On other transcripts: intron variant (6).
Genome position (GRCh38, 1-based): chr2:60,460,950, G>A on the plus strand (C>T on the coding strand, the complement: BCL11A is on the minus strand). VCF-style: chr2-60460950-G-A. GRCh37 (hg19) VCF-style: chr2-60688085-G-A.
Other names: c.1860C>T, p.Asn620= (NM_001363864.1, NM_001365609.1, NM_001405711.1 and 2 more transcripts); c.1962C>T, p.Asn654= (NM_001405708.1, NM_001405709.1, NM_001405710.1 and 1 more transcripts); c.1806C>T, p.Asn602= (NM_001405713.1, NM_001405714.1, NM_001405715.1 and 3 more transcripts); c.1704C>T, p.Asn568= (NM_001405717.1, NM_001405718.1, NM_001405724.1); c.1629C>T, p.Asn543= (NM_001405720.1, NM_001405721.1); c.1506C>T, p.Asn502= (NM_001405725.1, NM_001405726.1, NM_001405727.1 and 1 more transcripts); c.1269C>T, p.Asn423= (NM_001405729.1); c.1425C>T, p.Asn475= (NM_001405730.1); and 5 more.
Identifiers: ClinVar variation 3054440 (VCV003054440.2), dbSNP rs1558611484, ClinGen allele CA426416484.